The following is an entry in ClinVar:

NM_014000.3(VCL):c.1559G>C (p.Arg520Pro)

Gene: VCL (vinculin; plus strand). Cytogenetic location: 10q22.2.
Variant type: single nucleotide variant.
Coding change: c.1559G>C on transcript NM_014000.3 (MANE Select); coding-DNA position 1559, G replaced by C.
Protein change: p.Arg520Pro; replaces arginine 520 with proline.
Molecular consequence: missense variant.
Genome position (GRCh38, 1-based): chr10:74,095,671, G>C. VCF-style: chr10-74095671-G-C. GRCh37 (hg19) VCF-style: chr10-75855429-G-C.
Other names: c.1559G>C, p.Arg520Pro (NM_003373.4); short protein forms R520P.
Identifiers: ClinVar variation 4731471 (VCV004731471.1).

ClinVar aggregate classification (germline): Uncertain significance (1 of 4 stars; one submission).

Conditions:
Dilated cardiomyopathy 1W (CMD1W). Identifiers: Orphanet 154, MedGen C1969639, MONDO:0012667, OMIM 611407.

Submission:

Labcorp Genetics (formerly Invitae), Labcorp
Classification: Uncertain significance for Dilated cardiomyopathy 1W. Last evaluated: 2025-11-24. Review status: criteria provided, single submitter. Criteria: Invitae Variant Classification Sherloc (09022015). Collection method: clinical testing. Allele origin: germline.
Comment: This sequence change replaces arginine, which is basic and polar, with proline, which is neutral and non-polar, at codon 520 of the VCL protein (p.Arg520Pro). This variant is not present in population databases (gnomAD no frequency). This variant has not been reported in the literature in individuals affected with VCL-related conditions. An algorithm developed to predict the effect of missense changes on protein structure and function (PolyPhen-2) suggests that this variant is likely to be disruptive. In summary, the available evidence is currently insufficient to determine the role of this variant in disease. Therefore, it has been classified as a Variant of Uncertain Significance.